The following is an entry in ClinVar:

ClinVar aggregate classification (germline): Pathogenic (1 of 4 stars; one submission).

Conditions:
Ataxia-telangiectasia syndrome (AT). Also called: Cerebello-oculocutaneous telangiectasia; Immunodeficiency with ataxia telangiectasia; ATAXIA-TELANGIECTASIA, FRESNO VARIANT; Ataxia-telangiectasia, complementation group D; Ataxia telangiectasia (A-T); LOUIS-BAR SYNDROME. Identifiers: Orphanet 100, MedGen C0004135, MONDO:0008840, OMIM 208900.

Submission:

Labcorp Genetics (formerly Invitae), Labcorp
Classification: Pathogenic for Ataxia-telangiectasia syndrome. Last evaluated: 2020-07-08. Review status: criteria provided, single submitter. Criteria: Invitae Variant Classification Sherloc (09022015). Collection method: clinical testing. Allele origin: germline.
Comment: For these reasons, this variant has been classified as Pathogenic. Loss-of-function variants in ATM are known to be pathogenic (PMID: 23807571, 25614872). This variant has not been reported in the literature in individuals with ATM-related conditions. This variant is not present in population databases (ExAC no frequency). This sequence change creates a premature translational stop signal (p.Cys1396*) in the ATM gene. It is expected to result in an absent or disrupted protein product.

Literature cited by the submitters: PubMed 23807571; PubMed 25614872.

NM_000051.4(ATM):c.4188_4189del (p.Cys1396_His1397delinsTer)

Gene: ATM (ATM serine/threonine kinase; plus strand). Cytogenetic location: 11q22.3.
Variant type: Deletion.
Coding change: c.4188_4189del on transcript NM_000051.4 (MANE Select); coding-DNA positions 4188 to 4189, 2 bases deleted (TC; older notation c.4188_4189delTC).
Protein change: p.Cys1396_His1397delinsTer.
Molecular consequence: nonsense.
Genome position (GRCh38, 1-based): chr11:108,289,055-108,289,056, TC deleted. VCF-style (leftmost placement, unchanged base first): chr11-108289054-GTC-G. GRCh37 (hg19) VCF-style: chr11-108159781-GTC-G.
Other names: c.4188_4189del, p.Cys1396_His1397delinsTer (NM_001351834.2).
Identifiers: ClinVar variation 1075340 (VCV001075340.7), dbSNP rs2135752682, ClinGen allele CA2499220635.